The following is an entry in ClinVar:

ClinVar aggregate classification (germline): Uncertain significance (3 of 4 stars; one submission).

Conditions:
Overgrowth syndrome and/or cerebral malformations due to abnormalities in MTOR pathway genes. Identifiers: MedGen CN300503, MONDO:0100283.

Submission:

ClinGen Brain Malformations Variant Curation Expert Panel
Classification: Uncertain significance for Overgrowth syndrome and/or cerebral malformations due to abnormalities in MTOR pathway genes. Last evaluated: 2025-06-06. Review status: reviewed by expert panel. Criteria: ClinGen BrainMalform ACMG Specifications V1.1.0. Collection method: curation. Allele origin: germline. Inheritance: Autosomal dominant inheritance.
Comment: The NM_006218.4:c.93A>G variant in the PIK3CA gene is a missense variant predicted to cause substitution of isoleucine by methionine at amino acid 31. This variant is absent from gnomAD v4.1.0 (PM2_Supporting). PIK3CA, in which the variant was identified, is defined by the ClinGen Brain Malformations Variant Curation Expert Panel (BM VCEP) as a gene that has a low rate of benign missense variation and where pathogenic missense variants are a common mechanism of disease (PP2). This variant resides within the adaptor binding domain of PIK3CA that is defined as a critical functional domain by the ClinGen BM VCEP (PMIDs: 26637981, 24459181, 27631024) (PM1_Supporting). This variant has been identified in two tumor samples in COSMIC (COSV55898376, COSV55887259) and in a patient with aggressive breast adenoid cystic carcinoma who also has a variant in PTEN (PS4_Supporting, PMID: 17669465). This variant has been shown to exhibit near wild type levels of cell growth and did not promote colony formation, indicating that this variant does not impact protein function (BS3_Supporting, PMID: 26627007). In summary, this variant meets the criteria to be classified as uncertain significance for autosomal dominant overgrowth with or without cerebral malformations due to abnormalities in MTOR-pathway genes based on the ACMG/AMP criteria applied, as specified by the ClinGen BM VCEP: PM2_Supporting, PP2, PM1_Supporting, BS3_Supporting, PS4_Supporting (ClinGen Brain Malformations VCEP Specifications Version 1.1).

NM_006218.4(PIK3CA):c.93A>G (p.Ile31Met)

Gene: PIK3CA (phosphatidylinositol-4,5-bisphosphate 3-kinase catalytic subunit alpha; plus strand). Cytogenetic location: 3q26.32.
Variant type: single nucleotide variant.
Coding change: c.93A>G on transcript NM_006218.4 (MANE Select); coding-DNA position 93, A replaced by G.
Protein change: p.Ile31Met; replaces isoleucine 31 with methionine.
Molecular consequence: missense variant.
Genome position (GRCh38, 1-based): chr3:179,198,918, A>G. VCF-style: chr3-179198918-A-G. GRCh37 (hg19) VCF-style: chr3-178916706-A-G.
Other names: NM_006218.4:c.93A>G; NM_006218.4(PIK3CA):c.93A>G; p.Ile31Met; short protein forms I31M.
Identifiers: ClinVar variation 1296992 (VCV001296992.5), dbSNP rs2108385317, ClinGen allele CA355270988.
Genomic context (GRCh38, chr3:179,198,918, plus strand): 5'-GGGCATCCACTTGATGCCCCCAAGAATCCTAGTAGAATGTTTACTACCAAATGGAATGAT[A>G]GTGACTTTAGAATGCCTCCGTGAGGCTACATTAATAACCATAAAGCATGAACTATTTAAA-3'
Protein context (NP_006209.2, residues 21-41): LVECLLPNGM[Ile31Met]VTLECLREAT